The following is an entry in ClinVar:

NM_152564.5(VPS13B):c.4310G>T (p.Arg1437Leu)

Gene: VPS13B (vacuolar protein sorting 13 homolog B; plus strand). Cytogenetic location: 8q22.2.
Variant type: single nucleotide variant.
Coding change: c.4310G>T on transcript NM_152564.5 (MANE Select); coding-DNA position 4310, G replaced by T.
Protein change: p.Arg1437Leu; replaces arginine 1437 with leucine.
Molecular consequence: missense variant.
Genome position (GRCh38, 1-based): chr8:99,511,189, G>T. VCF-style: chr8-99511189-G-T. GRCh37 (hg19) VCF-style: chr8-100523417-G-T.
Other names: c.4385G>T, p.Arg1462Leu (NM_017890.5); short protein forms R1437L, R1462L.
Identifiers: ClinVar variation 1419081 (VCV001419081.5), dbSNP rs750810791, ClinGen allele CA371871350.

ClinVar aggregate classification (germline): Uncertain significance (1 of 4 stars; one submission).

Conditions:
Cohen syndrome (COH1). Also called: PEPPER SYNDROME; Cutis verticis gyrata, retinitis pigmentosa, and sensorineural deafness. Identifiers: Orphanet 193, MedGen C0265223, MONDO:0008999, OMIM 216550.

gnomAD v4.1: 2 of 1,613,932 alleles (0.00012%); highest among the groups gnomAD compares: Non-Finnish European, 0.00017%; no homozygotes.

Submission:

Labcorp Genetics (formerly Invitae), Labcorp
Classification: Uncertain significance for Cohen syndrome. Last evaluated: 2024-11-05. Review status: criteria provided, single submitter. Criteria: Invitae Variant Classification Sherloc (09022015). Collection method: clinical testing. Allele origin: germline.
Comment: This sequence change replaces arginine, which is basic and polar, with leucine, which is neutral and non-polar, at codon 1462 of the VPS13B protein (p.Arg1462Leu). This variant is present in population databases (no rsID available, gnomAD 0.0009%). This variant has not been reported in the literature in individuals affected with VPS13B-related conditions. ClinVar contains an entry for this variant (Variation ID: 1419081). Invitae Evidence Modeling of protein sequence and biophysical properties (such as structural, functional, and spatial information, amino acid conservation, physicochemical variation, residue mobility, and thermodynamic stability) indicates that this missense variant is expected to disrupt VPS13B protein function with a positive predictive value of 80%. In summary, the available evidence is currently insufficient to determine the role of this variant in disease. Therefore, it has been classified as a Variant of Uncertain Significance.